The following is an entry in ClinVar:

NM_000059.4(BRCA2):c.4889C>A (p.Ser1630Ter)

Gene: BRCA2 (BRCA2 DNA repair associated; plus strand). Cytogenetic location: 13q13.1.
Variant type: single nucleotide variant.
Coding change: c.4889C>A on transcript NM_000059.4 (MANE Select); coding-DNA position 4889, C replaced by A.
Protein change: p.Ser1630Ter; replaces serine 1630 with a stop codon.
Molecular consequence: nonsense.
Genome position (GRCh38, 1-based): chr13:32,339,244, C>A. VCF-style: chr13-32339244-C-A. GRCh37 (hg19) VCF-style: chr13-32913381-C-A.
Other names: 5117C/A (Stop1630); short protein forms S1630*.
Identifiers: ClinVar variation 51731 (VCV000051731.16), dbSNP rs80358711, ClinGen allele CA020952.

ClinVar aggregate classification (germline): Pathogenic. Review status: reviewed by expert panel (3 of 4 stars). 7 submissions from 7 submitters: Pathogenic (1). 6 of the submissions do not count toward it. Last evaluated 2016-10-18.

Conditions:
Hereditary cancer-predisposing syndrome. Also called: Neoplastic Syndromes, Hereditary; Tumor predisposition; Hereditary Cancer Syndrome; Hereditary neoplastic syndrome. Identifiers: Orphanet 140162, MedGen C0027672, MeSH D009386, MONDO:0015356.
Familial prostate cancer. Also called: Hereditary Prostate Cancer. Identifiers: MedGen C2931456, MONDO:0700275, OMIM 176807.
Hereditary breast ovarian cancer syndrome. Also called: Breast and ovarian cancer; Hereditary breast and ovarian cancer; Hereditary breast and ovarian cancer syndrome (HBOC); Hereditary breast and ovarian cancer syndrome; BRCA1- and BRCA2-Associated Hereditary Breast and Ovarian Cancer; Hereditary breast and/or ovarian cancer syndrome. Identifiers: Orphanet 145, MedGen C0677776, MeSH D061325, MONDO:0003582. Disease mechanism: loss of function.
Breast-ovarian cancer, familial, susceptibility to, 2 (BROVCA2). Also called: BRCA2 Hereditary Breast and Ovarian Cancer. Identifiers: Orphanet 145, MedGen C2675520, MONDO:0012933, OMIM 612555. Disease mechanism: loss of function.
Familial cancer of breast. Also called: BREAST CANCER, FAMILIAL; hereditary breast carcinoma; Hereditary breast cancer. Identifiers: Orphanet 227535, MedGen C0346153, MONDO:0016419, OMIM 114480. Disease mechanism: loss of function.

Submissions (7):

Evidence-based Network for the Interpretation of Germline Mutant Alleles (ENIGMA)
Classification: Pathogenic for Breast-ovarian cancer, familial, susceptibility to, 2. Last evaluated: 2016-10-18. Review status: reviewed by expert panel. Criteria: ENIGMA BRCA1/2 Classification Criteria (2015). Collection method: curation. Allele origin: germline.
Comment: Variant allele predicted to encode a truncated non-functional protein.

Ambry Genetics
Classification: Pathogenic for Hereditary cancer-predisposing syndrome. Last evaluated: 2024-11-13. Review status: criteria provided, single submitter. Criteria: Ambry Variant Classification Scheme 2023. Collection method: clinical testing. Allele origin: germline. Not counted in ClinVar's aggregate classification.
Comment: The p.S1630* pathogenic mutation (also known as c.4889C>A), located in coding exon 10 of the BRCA2 gene, results from a C to A substitution at nucleotide position 4889. This changes the amino acid from a serine to a stop codon within coding exon 10. This variant is considered to be rare based on population cohorts in the Genome Aggregation Database (gnomAD). This alteration is expected to result in loss of function by premature protein truncation or nonsense-mediated mRNA decay. As such, this alteration is interpreted as a disease-causing mutation.

Labcorp Genetics (formerly Invitae), Labcorp
Classification: Pathogenic for Hereditary breast ovarian cancer syndrome. Last evaluated: 2024-02-14. Review status: criteria provided, single submitter. Criteria: Invitae Variant Classification Sherloc (09022015). Collection method: clinical testing. Allele origin: germline. Not counted in ClinVar's aggregate classification.
Comment: This sequence change creates a premature translational stop signal (p.Ser1630*) in the BRCA2 gene. It is expected to result in an absent or disrupted protein product. Loss-of-function variants in BRCA2 are known to be pathogenic (PMID: 20104584). This variant is not present in population databases (gnomAD no frequency). This premature translational stop signal has been observed in individual(s) with a personal and/or family history of breast and/or ovarian cancer (PMID: 24549055). ClinVar contains an entry for this variant (Variation ID: 51731). For these reasons, this variant has been classified as Pathogenic.

Quest Diagnostics Nichols Institute San Juan Capistrano
Classification: Pathogenic. Last evaluated: 2023-08-03. Review status: criteria provided, single submitter. Criteria: Quest Diagnostics criteria. Collection method: clinical testing. Allele origin: unknown. Not counted in ClinVar's aggregate classification.
Comment: The BRCA2 c.4889C>A (p.Ser1630*) variant causes the premature termination of BRCA2 protein synthesis. This variant has been reported in the published literature in individuals with hereditary breast and/or ovarian cancer (PMIDs: 22762150 (2012), 24549055 (2014)). This variant has not been reported in large, multi-ethnic general populations (Genome Aggregation Database). Based on the available information, this variant is classified as pathogenic.

Baylor Genetics
Classification: Pathogenic for Familial cancer of breast. Last evaluated: 2023-05-16. Review status: criteria provided, single submitter. Criteria: ACMG Guidelines, 2015. Collection method: clinical testing. Allele origin: unknown. Not counted in ClinVar's aggregate classification.

Department of Pathology and Laboratory Medicine, Sinai Health System
Classification: Pathogenic for Familial prostate cancer. Last evaluated: 2022-06-22. Review status: criteria provided, single submitter. Criteria: ACMG Guidelines, 2015. Collection method: clinical testing. Allele origin: germline. Affected: yes. Not counted in ClinVar's aggregate classification.

Institute of Human Genetics, University of Leipzig Medical Center
Classification: Uncertain significance for Breast-ovarian cancer, familial, susceptibility to, 2. Last evaluated: 2019-06-06. Review status: criteria provided, single submitter. Criteria: ACMG Guidelines, 2015. Collection method: clinical testing. Allele origin: germline. Affected: yes. Observed: 1 variant allele. Not counted in ClinVar's aggregate classification.

Literature cited by the submitters: PubMed 20104584 (cited by Labcorp Genetics (formerly Invitae), Labcorp); PubMed 24549055 (cited by Labcorp Genetics (formerly Invitae), Labcorp and Quest Diagnostics Nichols Institute San Juan Capistrano); PubMed 22762150 (cited by Quest Diagnostics Nichols Institute San Juan Capistrano).